The following is an entry in ClinVar:

ClinVar aggregate classification (germline): Likely benign. Review status: reviewed by expert panel (3 of 4 stars). 6 submissions from 6 submitters: Likely benign (1). 5 of the submissions do not count toward it. Last evaluated 2017-06-29.

Conditions:
Breast-ovarian cancer, familial, susceptibility to, 2 (BROVCA2). Also called: BRCA2 Hereditary Breast and Ovarian Cancer. Identifiers: Orphanet 145, MedGen C2675520, MONDO:0012933, OMIM 612555. Disease mechanism: loss of function.
Hereditary cancer-predisposing syndrome. Also called: Tumor predisposition; Neoplastic Syndromes, Hereditary; Hereditary Cancer Syndrome; Hereditary neoplastic syndrome. Identifiers: Orphanet 140162, MedGen C0027672, MeSH D009386, MONDO:0015356.
Hereditary breast ovarian cancer syndrome. Also called: BRCA1- and BRCA2-Associated Hereditary Breast and Ovarian Cancer; Hereditary breast and/or ovarian cancer syndrome; Hereditary breast and ovarian cancer; Hereditary breast and ovarian cancer syndrome; Hereditary breast and ovarian cancer syndrome (HBOC); Breast and ovarian cancer. Identifiers: Orphanet 145, MedGen C0677776, MeSH D061325, MONDO:0003582. Disease mechanism: loss of function.

Submissions (6):

Evidence-based Network for the Interpretation of Germline Mutant Alleles (ENIGMA)
Classification: Likely benign for Breast-ovarian cancer, familial, susceptibility to, 2. Last evaluated: 2017-06-29. Review status: reviewed by expert panel. Criteria: ENIGMA BRCA1/2 Classification Criteria (2017-06-29). Collection method: curation. Allele origin: germline.
Comment: Synonymous substitution variant, with low bioinformatic likelihood to result in a splicing aberration (Splicing prior probability 0.02).

Labcorp Genetics (formerly Invitae), Labcorp
Classification: Likely benign for Hereditary breast ovarian cancer syndrome. Last evaluated: 2024-01-06. Review status: criteria provided, single submitter. Criteria: Invitae Variant Classification Sherloc (09022015). Collection method: clinical testing. Allele origin: germline. Not counted in ClinVar's aggregate classification.

Color Diagnostics, LLC DBA Color Health
Classification: Likely benign for Hereditary cancer-predisposing syndrome. Last evaluated: 2024-01-03. Review status: criteria provided, single submitter. Criteria: ACMG Guidelines, 2015. Collection method: clinical testing. Allele origin: germline. Not counted in ClinVar's aggregate classification.

Blueprint Genetics
Classification: Likely benign. Last evaluated: 2023-09-18. Review status: criteria provided, single submitter. Criteria: ACMG Guidelines, 2015. Collection method: clinical testing. Allele origin: germline. Not counted in ClinVar's aggregate classification.

GeneDx
Classification: Likely benign. Last evaluated: 2018-01-12. Review status: criteria provided, single submitter. Criteria: GeneDx Variant Classification (06012015). Collection method: clinical testing. Allele origin: germline. Affected: yes. Not counted in ClinVar's aggregate classification.
Comment: This variant is considered likely benign or benign based on one or more of the following criteria: it is a conservative change, it occurs at a poorly conserved position in the protein, it is predicted to be benign by multiple in silico algorithms, and/or has population frequency not consistent with disease.

Ambry Genetics
Classification: Likely benign for Hereditary cancer-predisposing syndrome. Last evaluated: 2015-04-14. Review status: criteria provided, single submitter. Criteria: Ambry Variant Classification Scheme 2023. Collection method: clinical testing. Allele origin: germline. Not counted in ClinVar's aggregate classification.

NM_000059.4(BRCA2):c.9507T>C (p.Ile3169=)

Gene: BRCA2 (BRCA2 DNA repair associated; plus strand). Cytogenetic location: 13q13.1.
Variant type: single nucleotide variant.
Coding change: c.9507T>C on transcript NM_000059.4 (MANE Select); coding-DNA position 9507, T replaced by C.
Protein change: p.Ile3169=; no amino-acid change (isoleucine 3169 retained).
Molecular consequence: synonymous variant.
Genome position (GRCh38, 1-based): chr13:32,396,903, T>C. VCF-style: chr13-32396903-T-C. GRCh37 (hg19) VCF-style: chr13-32971040-T-C.
Identifiers: ClinVar variation 220169 (VCV000220169.21), dbSNP rs864622407, ClinGen allele CA350458.
Genomic context (GRCh38, chr13:32,396,903, plus strand): 5'-ACATAAATATGTGGGTTTGCAATTTATAAAGCAGCTTTTCCACTTATTTTCTTAGAATAT[T>C]GACATACTTTGCAATGAAGCAGAAAACAAGCTTATGCATATACTGCATGCAAATGATCCC-3'
Protein context (NP_000050.3, residues 3159-3179): FNKMKNTVEN[Ile3169=]DILCNEAENK